The following is an entry in ClinVar:

ClinVar aggregate classification (germline): Uncertain significance (1 of 4 stars; one submission).

gnomAD v4.1: 17 of 1,537,854 alleles (0.0011%); highest among the groups gnomAD compares: East Asian, 0.034%; no homozygotes.

Submission:

GeneDx
Classification: Uncertain significance. Last evaluated: 2024-11-08. Review status: criteria provided, single submitter. Criteria: GeneDx Variant Classification Process June 2021. Collection method: clinical testing. Allele origin: germline. Affected: yes.
Comment: Not observed at significant frequency in large population cohorts (gnomAD); In silico analysis indicates that this missense variant does not alter protein structure/function; Has not been previously published as pathogenic or benign to our knowledge

NM_013247.5(HTRA2):c.8C>T (p.Ala3Val)

Gene: HTRA2 (HtrA serine peptidase 2; plus strand). Cytogenetic location: 2p13.1.
Variant type: single nucleotide variant.
Coding change: c.8C>T on transcript NM_013247.5 (MANE Select); coding-DNA position 8, C replaced by T.
Protein change: p.Ala3Val; replaces alanine 3 with valine.
Molecular consequence: missense variant. On other transcripts: non-coding transcript variant (1).
Genome position (GRCh38, 1-based): chr2:74,530,014, C>T. VCF-style: chr2-74530014-C-T. GRCh37 (hg19) VCF-style: chr2-74757141-C-T.
Other names: c.8C>T, p.Ala3Val (NM_001321727.1, NM_001321728.1, NM_145074.2); short protein forms A3V.
Identifiers: ClinVar variation 3899126 (VCV003899126.1).
Genomic context (GRCh38, chr2:74,530,014, plus strand): 5'-CCTGGGTGCCGCCTCTGAGTAGGGCGGGCGAGGAGGCAGCCAAGGCGGAGCTGATGGCTG[C>T]GCCGAGGGCGGGGCGGGGTGCAGGCTGGAGCCTTCGGGCATGGCGGGCTTTGGGGGGCAT-3'
Protein context (NP_037379.1, residues 1-13): MA[Ala3Val]PRAGRGAGWS